The following is an entry in ClinVar:

NM_002880.4(RAF1):c.1673T>C (p.Ile558Thr)

Gene: RAF1 (Raf-1 proto-oncogene, serine/threonine kinase; minus strand). Cytogenetic location: 3p25.2.
Variant type: single nucleotide variant.
Coding change: c.1673T>C on transcript NM_002880.4 (MANE Select); coding-DNA position 1673, T replaced by C.
Protein change: p.Ile558Thr; replaces isoleucine 558 with threonine.
Molecular consequence: missense variant. On other transcripts: non-coding transcript variant (3).
Genome position (GRCh38, 1-based): chr3:12,584,977, A>G on the plus strand (T>C on the coding strand, the complement: RAF1 is on the minus strand). VCF-style: chr3-12584977-A-G. GRCh37 (hg19) VCF-style: chr3-12626476-A-G.
Other names: c.1733T>C, p.Ile578Thr (NM_001354689.3); c.1673T>C, p.Ile558Thr (NM_001354690.3); c.1430T>C, p.Ile477Thr (NM_001354691.3, NM_001354692.3); c.1574T>C, p.Ile525Thr (NM_001354693.3); c.1490T>C, p.Ile497Thr (NM_001354694.3); c.1331T>C, p.Ile444Thr (NM_001354695.3); short protein forms I558T, I578T, I477T, I497T, I444T, I525T.
Identifiers: ClinVar variation 633388 (VCV000633388.1), dbSNP rs1559399152, ClinGen allele CA351497078.

ClinVar aggregate classification (germline): Uncertain significance (1 of 4 stars; one submission).

Submission:

Women's Health and Genetics/Laboratory Corporation of America, LabCorp
Classification: Uncertain significance. Last evaluated: 2018-01-11. Review status: criteria provided, single submitter. Criteria: LabCorp Variant Classification Summary - May 2015. Collection method: clinical testing. Allele origin: germline.
Comment: Variant summary: The c.1673T>C (p.Ile558Thr) is a missense variant that involves a conserved nucleotide and 5/5 in silico tools predict deleterious outcome. The variant is located within the catalytic domain, however impact of this change on the protein function has yet to be studied. This variant is absent from the control population dataset of ExAC (0/~246042 chromosomes), suggesting this variant is not a common polymorphism. The variant has not, to our knowledge, been reported in affected individuals via publications and/or reputable databases/clinical laboratories. Because of the absence of clinical information and lack of functional studies, the variant was classified as a variant of uncertain significance (VUS) until additional information becomes available.